The following is an entry in ClinVar:

NM_014629.4(ARHGEF10):c.460G>A (p.Ala154Thr)

Gene: ARHGEF10 (Rho guanine nucleotide exchange factor 10; plus strand). Cytogenetic location: 8p23.3.
Variant type: single nucleotide variant.
Coding change: c.460G>A on transcript NM_014629.4 (MANE Select); coding-DNA position 460, G replaced by A.
Protein change: p.Ala154Thr; replaces alanine 154 with threonine.
Molecular consequence: missense variant.
Genome position (GRCh38, 1-based): chr8:1,860,163, G>A. VCF-style: chr8-1860163-G-A. GRCh37 (hg19) VCF-style: chr8-1808329-G-A.
Other names: c.460G>A, p.Ala154Thr (NM_001308152.2, NM_001308153.3); short protein forms A154T, A178T.
Identifiers: ClinVar variation 1982105 (VCV001982105.5), dbSNP rs201433824, ClinGen allele CA4599765.
Genomic context (GRCh38, chr8:1,860,163, plus strand): 5'-GCGGTGCCCTCCAACCTGCCCCTCCTGCTGCCCGCCTACTCCAGCCCGGTCATCATCTGC[G>A]CCACGTCCCTGGACGAAGAAGGTACTGCTACCCTCCTCTCCACGCCCCCGAAGTGGCCTG-3'
Protein context (NP_055444.2, residues 144-164): PAYSSPVIIC[Ala154Thr]TSLDEEETPE

ClinVar aggregate classification (germline): Conflicting classifications of pathogenicity. Review status: criteria provided, conflicting classifications (1 of 4 stars). 2 submissions from 2 submitters: Uncertain significance (1); Likely benign (1). Last evaluated 2025-12-31.

Allele frequency attached by ClinVar (database versions not stated): gnomAD 0.00003; TOPMed 0.00004; gnomAD exomes 0.00005; ESP Exome Variant Server 0.00008; ExAC 0.00012; 1000 Genomes Project 30x 0.00016; 1000 Genomes Project 0.00020.
gnomAD v4.1: 74 of 1,613,368 alleles (0.0046%); highest among the groups gnomAD compares: Middle Eastern, 0.034%; no homozygotes.

Submissions (2):

Labcorp Genetics (formerly Invitae), Labcorp
Classification: Uncertain significance. Last evaluated: 2025-12-31. Review status: criteria provided, single submitter. Criteria: Invitae Variant Classification Sherloc (09022015). Collection method: clinical testing. Allele origin: germline.
Comment: This sequence change replaces alanine, which is neutral and non-polar, with threonine, which is neutral and polar, at codon 154 of the ARHGEF10 protein (p.Ala154Thr). This variant is present in population databases (rs201433824, gnomAD 0.02%). This variant has not been reported in the literature in individuals affected with ARHGEF10-related conditions. ClinVar contains an entry for this variant (Variation ID: 1982105). An algorithm developed to predict the effect of missense changes on protein structure and function outputs the following: PolyPhen-2: "Benign". The threonine amino acid residue is found in multiple mammalian species, which suggests that this missense change does not adversely affect protein function. In summary, the available evidence is currently insufficient to determine the role of this variant in disease. Therefore, it has been classified as a Variant of Uncertain Significance.

Ambry Genetics
Classification: Likely benign. Last evaluated: 2023-02-28. Review status: criteria provided, single submitter. Criteria: Ambry Variant Classification Scheme 2023. Collection method: clinical testing. Allele origin: germline.